The following is an entry in ClinVar:

ClinVar aggregate classification (germline): Uncertain significance (1 of 4 stars; one submission).

Conditions:
Familial cancer of breast. Also called: BREAST CANCER, FAMILIAL; hereditary breast carcinoma; Hereditary breast cancer. Identifiers: Orphanet 227535, MedGen C0346153, MONDO:0016419, OMIM 114480. Disease mechanism: loss of function.

Submission:

KCCC/NGS Laboratory, Kuwait Cancer Control Center
Classification: Uncertain significance for Familial cancer of breast. Last evaluated: 2024-10-08. Review status: criteria provided, single submitter. Criteria: ACMG Guidelines, 2015. Collection method: clinical testing. Allele origin: germline. Inheritance: Autosomal dominant inheritance. Affected: yes. Observed: 1 heterozygote.
Comment: This sequence change replaces isoleucine with leucine at codon 1271 of the ATM protein (p.Ile1271Leu). This amino acid position is not well conserved ( PhyloP=2.8). This variant is not present in population databases (gnomAD no frequency). This variant has not been reported in the literature in individuals affected with ATM-related conditions. In addition, this alteration is predicted to be tolerated by in silico analysis. In summary, the available evidence is currently insufficient to determine the role of this variant in disease. Therefore, it has been classified as a Variant of Uncertain Significance. Pathogenic/likely pathogenic mutations in the ATM gene cause susceptibility to breast cancer (OMIM 114480).

NM_000051.4(ATM):c.3811A>C (p.Ile1271Leu)

Gene: ATM (ATM serine/threonine kinase; plus strand). Cytogenetic location: 11q22.3.
Variant type: single nucleotide variant.
Coding change: c.3811A>C on transcript NM_000051.4 (MANE Select); coding-DNA position 3811, A replaced by C.
Protein change: p.Ile1271Leu; replaces isoleucine 1271 with leucine.
Molecular consequence: missense variant.
Genome position (GRCh38, 1-based): chr11:108,284,291, A>C. VCF-style: chr11-108284291-A-C. GRCh37 (hg19) VCF-style: chr11-108155018-A-C.
Other names: c.3811A>C, p.Ile1271Leu (NM_001351834.2); short protein forms I1271L.
Identifiers: ClinVar variation 3362242 (VCV003362242.2).